The following is an entry in ClinVar:

NM_177924.5(ASAH1):c.-38C>T

Genes: ASAH1 (N-acylsphingosine amidohydrolase 1; minus strand), LOC129999940 (ATAC-STARR-seq lymphoblastoid silent region 18966; plus strand). Cytogenetic location: 8p22.
Variant type: single nucleotide variant.
Coding change: c.-38C>T on transcript NM_177924.5 (MANE Select); 38 bases upstream of the start codon, C replaced by T.
Molecular consequence: 5 prime UTR variant. On other transcripts: intron variant (2).
Genome position (GRCh38, 1-based): chr8:18,084,096, G>A on the plus strand (C>T on the coding strand, the complement: ASAH1 is on the minus strand). VCF-style: chr8-18084096-G-A. GRCh37 (hg19) VCF-style: chr8-17941605-G-A.
Other names: c.126+580C>T (NM_004315.6, NM_001127505.3).
Identifiers: ClinVar variation 362389 (VCV000362389.7), dbSNP rs201935182, ClinGen allele CA4651169.

ClinVar aggregate classification (germline): Likely benign. Review status: criteria provided, multiple submitters, no conflicts (2 of 4 stars). 2 submissions from 2 submitters: Likely benign (2). Last evaluated 2020-01-23.

Conditions:
Farber lipogranulomatosis (FRBRL). Also called: Farber's lipogranulomatosis; Farber's disease; Farber disease; AC DEFICIENCY; ACID CERAMIDASE DEFICIENCY; CERAMIDASE DEFICIENCY. Identifiers: Orphanet 333, MedGen C0268255, MONDO:0009218, OMIM 228000.

Allele frequency attached by ClinVar (database versions not stated): gnomAD 0.00032; TOPMed 0.00044; gnomAD exomes 0.00060; ExAC 0.00064; 1000 Genomes Project 0.00080; 1000 Genomes Project 30x 0.00094.

Submissions (2):

GeneDx
Classification: Likely benign. Last evaluated: 2020-01-23. Review status: criteria provided, single submitter. Criteria: GeneDx Variant Classification Process June 2021. Collection method: clinical testing. Allele origin: germline. Affected: yes.

Illumina Laboratory Services, Illumina
Classification: Likely benign for Farber lipogranulomatosis. Last evaluated: 2018-01-12. Review status: criteria provided, single submitter. Criteria: ICSL Variant Classification Criteria 13 December 2019. Collection method: clinical testing. Allele origin: germline.
Comment: This variant was observed in the ICSL laboratory as part of a predisposition screen in an ostensibly healthy population. It had not been previously curated by ICSL or reported in the Human Gene Mutation Database (HGMD: prior to June 1st, 2018), and was therefore a candidate for classification through an automated scoring system. Utilizing variant allele frequency, disease prevalence and penetrance estimates, and inheritance mode, an automated score was calculated to assess if this variant is too frequent to cause the disease. Based on the score and internal cut-off values, a variant classified as likely benign is not then subjected to further curation. The score for this variant resulted in a classification of likely benign for this disease.